The following is an entry in ClinVar:

NM_001378615.1(CC2D2A):c.2275A>C (p.Thr759Pro)

Genes: FBXL5 (F-box and leucine rich repeat protein 5; minus strand), CC2D2A (coiled-coil and C2 domain containing 2A; plus strand). Cytogenetic location: 4p15.32.
Variant type: single nucleotide variant.
Coding change: c.2275A>C on transcript NM_001378615.1 (MANE Select); coding-DNA position 2275, A replaced by C.
Protein change: p.Thr759Pro; replaces threonine 759 with proline.
Molecular consequence: missense variant.
Genome position (GRCh38, 1-based): chr4:15,550,917, A>C. VCF-style: chr4-15550917-A-C. GRCh37 (hg19) VCF-style: chr4-15552540-A-C.
Other names: c.2275A>C, p.Thr759Pro (NM_001080522.2); c.2128A>C, p.Thr710Pro (NM_001378617.1); short protein forms T759P, T710P.
Identifiers: ClinVar variation 1480315 (VCV001480315.8), dbSNP rs1226753536, ClinGen allele CA356417242.

ClinVar aggregate classification (germline): Uncertain significance (1 of 4 stars; one submission).

Conditions:
Joubert syndrome. Also called: JOUBERT-BOLTSHAUSER SYNDROME; Familial aplasia of the vermis. Identifiers: Orphanet 475, MedGen C5979921, MONDO:0018772.
Meckel-Gruber syndrome. Also called: DYSENCEPHALIA SPLANCHNOCYSTICA; GRUBER SYNDROME; Dysencephalia splachnocystica. Identifiers: Orphanet 564, MedGen C0265215, MONDO:0018921.

gnomAD v4.1: 1 of 1,609,736 alleles (0.000062%); highest among the groups gnomAD compares: Non-Finnish European, 0.000085%; no homozygotes.

Submission:

Labcorp Genetics (formerly Invitae), Labcorp
Classification: Uncertain significance for Joubert syndrome; Meckel-Gruber syndrome. Last evaluated: 2022-06-27. Review status: criteria provided, single submitter. Criteria: Invitae Variant Classification Sherloc (09022015). Collection method: clinical testing. Allele origin: germline.
Comment: Advanced modeling of protein sequence and biophysical properties (such as structural, functional, and spatial information, amino acid conservation, physicochemical variation, residue mobility, and thermodynamic stability) performed at Invitae indicates that this missense variant is not expected to disrupt CC2D2A protein function. In summary, the available evidence is currently insufficient to determine the role of this variant in disease. Therefore, it has been classified as a Variant of Uncertain Significance. This sequence change replaces threonine, which is neutral and polar, with proline, which is neutral and non-polar, at codon 759 of the CC2D2A protein (p.Thr759Pro). This variant is not present in population databases (gnomAD no frequency). This variant has not been reported in the literature in individuals affected with CC2D2A-related conditions.